The following is an entry in ClinVar:

NM_000038.6(APC):c.1743+1053T>C

Gene: APC (APC regulator of WNT signaling pathway; plus strand). Cytogenetic location: 5q22.2.
Variant type: single nucleotide variant.
Coding change: c.1743+1053T>C on transcript NM_000038.6 (MANE Select); 1053 bases into the intron after coding-DNA position 1743, T replaced by C.
Molecular consequence: intron variant.
Genome position (GRCh38, 1-based): chr5:112,830,025, T>C. VCF-style: chr5-112830025-T-C. GRCh37 (hg19) VCF-style: chr5-112165722-T-C.
Other names: c.1743+1053T>C (NM_001354895.2, NM_001127510.3); c.1773+1053T>C (NM_001354897.2); c.1470+1053T>C (NM_001354902.2); c.1689+1053T>C (NM_001127511.3); c.1668+1053T>C (NM_001354898.2); c.1365+1053T>C (NM_001354904.2); c.894+1053T>C (NM_001354906.2); c.1797+1053T>C (NM_001354896.2); and 5 more.
Identifiers: ClinVar variation 83171 (VCV000083171.2), dbSNP rs79636900, ClinGen allele CA005485.

ClinVar aggregate classification (germline): other (0 of 4 stars; one submission).

Conditions:
Familial colorectal cancer. Identifiers: MedGen CN280943, MONDO:0023113. Disease mechanism: loss of function.

Submission:

Systems Biology Platform Zhejiang California International NanoSystems Institute
Classification: other for Familial colorectal cancer. Review status: no assertion criteria provided. Collection method: not provided. Allele origin: unknown.
ClinVar note: Converted during submission from cancer to other.